The following is an entry in ClinVar:

NM_032040.5(CCDC8):c.304G>A (p.Ala102Thr)

Gene: CCDC8 (coiled-coil domain containing 8; minus strand). Cytogenetic location: 19q13.32.
Variant type: single nucleotide variant.
Coding change: c.304G>A on transcript NM_032040.5 (MANE Select); coding-DNA position 304, G replaced by A.
Protein change: p.Ala102Thr; replaces alanine 102 with threonine.
Molecular consequence: missense variant.
Genome position (GRCh38, 1-based): chr19:46,412,507, C>T on the plus strand (G>A on the coding strand, the complement: CCDC8 is on the minus strand). VCF-style: chr19-46412507-C-T. GRCh37 (hg19) VCF-style: chr19-46915764-C-T.
Other names: short protein forms A102T.
Identifiers: ClinVar variation 2145048 (VCV002145048.1), dbSNP rs371258494, ClinGen allele CA9528737.

ClinVar aggregate classification (germline): Uncertain significance (1 of 4 stars; one submission).

Allele frequency attached by ClinVar (database versions not stated): ExAC 0.00007; ESP Exome Variant Server 0.00015; gnomAD 0.00030; TOPMed 0.00032.

Submission:

Labcorp Genetics (formerly Invitae), Labcorp
Classification: Uncertain significance. Last evaluated: 2022-03-11. Review status: criteria provided, single submitter. Criteria: Invitae Variant Classification Sherloc (09022015). Collection method: clinical testing. Allele origin: germline.
Comment: This sequence change replaces alanine, which is neutral and non-polar, with threonine, which is neutral and polar, at codon 102 of the CCDC8 protein (p.Ala102Thr). This variant is present in population databases (rs371258494, gnomAD 0.1%). This variant has not been reported in the literature in individuals affected with CCDC8-related conditions. Algorithms developed to predict the effect of missense changes on protein structure and function are either unavailable or do not agree on the potential impact of this missense change (SIFT: "Deleterious"; PolyPhen-2: "Probably Damaging"; Align-GVGD: "Class C0"). In summary, the available evidence is currently insufficient to determine the role of this variant in disease. Therefore, it has been classified as a Variant of Uncertain Significance.